The following is an entry in ClinVar:

NM_000093.5(COL5A1):c.5498dup (p.Ala1834fs)

Genes: COL5A1 (collagen type V alpha 1 chain; plus strand), LOC101448202 (uncharacterized LOC101448202; minus strand). Cytogenetic location: 9q34.3.
Variant type: Duplication.
Coding change: c.5498dup on transcript NM_000093.5 (MANE Select); coding-DNA position 5498, one base duplicated (C; older notation c.5498dupC).
Protein change: p.Ala1834fs; shifts the reading frame from alanine 1834.
Molecular consequence: frameshift variant.
Genome position (GRCh38, 1-based): chr9:134,842,284, C duplicated; the last of 2 consecutive C bases (chr9:134,842,283-134,842,284); duplicating either gives the same sequence. VCF-style (leftmost placement, unchanged base first): chr9-134842282-G-GC. GRCh37 (hg19) VCF-style: chr9-137734128-G-GC.
Other names: c.5498dup, p.Ala1834fs (NM_001278074.1); c.5498dupC (NM_000093.4, NM_000093.5); short protein forms A1834fs.
Identifiers: ClinVar variation 568381 (VCV000568381.12), dbSNP rs1564191704, ClinGen allele CA891843270.

ClinVar aggregate classification (germline): Pathogenic. Review status: criteria provided, multiple submitters, no conflicts (2 of 4 stars). 2 submissions from 2 submitters: Pathogenic (2). Last evaluated 2025-11-28.

Conditions:
Ehlers-Danlos syndrome, classic type, 1 (EDSCL1). Also called: Ehlers-Danlos Syndrome, Classic Type, COL5A1-Related; EDS I; Ehlers-Danlos syndrome, type 1; EHLERS-DANLOS SYNDROME, GRAVIS TYPE; EHLERS-DANLOS SYNDROME, SEVERE CLASSIC TYPE. Identifiers: MedGen C0268335, MONDO:0019567, OMIM 130000.

Submissions (2):

Women's Health and Genetics/Laboratory Corporation of America, LabCorp
Classification: Pathogenic for Ehlers-Danlos syndrome, classic type, 1. Last evaluated: 2025-11-28. Review status: criteria provided, single submitter. Criteria: LabCorp Variant Classification Summary - May 2015. Collection method: clinical testing. Allele origin: germline.
Comment: Variant summary: COL5A1 c.5498dupC (p.Ala1834GlyfsX19) causes a frameshift which results in an extension of the protein. The variant was absent in 251164 control chromosomes. c.5498dupC has been observed in individual(s) affected with Ehlers-Danlos Syndrome, Classic Type, 1 (internal data). To our knowledge, no experimental evidence demonstrating an impact on protein function has been reported. At least one variant within the disrupted region has been classified as Likely Pathogenic internally (c.5504G>C,p.Cys1835Ser), providing evidence that the region altered by the variant is critical to protein function. ClinVar contains an entry for this variant (Variation ID: 568381). Based on the evidence outlined above, the variant was classified as pathogenic.

Labcorp Genetics (formerly Invitae), Labcorp
Classification: Pathogenic for Ehlers-Danlos syndrome, classic type, 1. Last evaluated: 2024-08-28. Review status: criteria provided, single submitter. Criteria: Invitae Variant Classification Sherloc (09022015). Collection method: clinical testing. Allele origin: germline.
Comment: This sequence change results in a frameshift in the COL5A1 gene (p.Ala1834Glyfs*19). While this is not anticipated to result in nonsense mediated decay, it is expected to disrupt the last 5 amino acid(s) of the COL5A1 protein and extend the protein by 13 additional amino acid residues. This variant is not present in population databases (gnomAD no frequency). This frameshift has been observed in individual(s) with clinical features of COL5A1-related conditions (internal data). ClinVar contains an entry for this variant (Variation ID: 568381). This variant disrupts a region of the COL5A1 protein in which other variant(s) (p.Cys1835Ser) have been determined to be pathogenic (PMID: 19370768; internal data). This suggests that this is a clinically significant region of the protein, and that variants that disrupt it are likely to be disease-causing. For these reasons, this variant has been classified as Pathogenic.

Literature cited by the submitters: PubMed 19370768 (cited by Labcorp Genetics (formerly Invitae), Labcorp).